The following is an entry in ClinVar:

NM_001035.3(RYR2):c.1698A>C (p.Glu566Asp)

Gene: RYR2 (ryanodine receptor 2; plus strand). Cytogenetic location: 1q43.
Variant type: single nucleotide variant.
Coding change: c.1698A>C on transcript NM_001035.3 (MANE Select); coding-DNA position 1698, A replaced by C.
Protein change: p.Glu566Asp; replaces glutamic acid 566 with aspartic acid.
Molecular consequence: missense variant.
Genome position (GRCh38, 1-based): chr1:237,469,177, A>C. VCF-style: chr1-237469177-A-C. GRCh37 (hg19) VCF-style: chr1-237632477-A-C.
Other names: c.1698A>C (NM_001035.2); short protein forms E566D.
Identifiers: ClinVar variation 1171374 (VCV001171374.10), dbSNP rs1397154786, ClinGen allele CA345384053.
Genomic context (GRCh38, chr1:237,469,177, plus strand): 5'-AAACTGTGCTCAATTTTCTGGCTCCCTCGACTGGTTGATCAGCAGATTGGAAAGACTGGA[A>C]GCTTCTTCAGGTATGTTTTCTAGTTTTTTCCTTGTTGTGATAGATCACTCCTATTTTTCT-3'
Protein context (NP_001026.2, residues 556-576): DWLISRLERL[Glu566Asp]ASSGILEVLH

ClinVar aggregate classification (germline): Uncertain significance. Review status: criteria provided, multiple submitters, no conflicts (2 of 4 stars). 4 submissions from 4 submitters: Uncertain significance (4). Last evaluated 2025-12-30.

Conditions:
Cardiovascular phenotype. Identifiers: MedGen CN230736.
Cardiomyopathy (CMYO). Also called: Cardiomyopathies. Identifiers: Orphanet 167848, MedGen C0878544, MONDO:0004994, HP:0001638. Inheritance: Various modes of inheritance.
Catecholaminergic polymorphic ventricular tachycardia 1. Also called: VENTRICULAR TACHYCARDIA, CATECHOLAMINERGIC POLYMORPHIC, 1, WITH OR WITHOUT ATRIAL DYSFUNCTION AND/OR DILATED CARDIOMYOPATHY; RYR2-Related Catecholaminergic Polymorphic Ventricular Tachycardia; VENTRICULAR TACHYCARDIA, STRESS-INDUCED POLYMORPHIC 1. Identifiers: Orphanet 3286, MedGen C1631597, MONDO:0011484, OMIM 604772.

Allele frequency attached by ClinVar (database versions not stated): gnomAD 0.00001; gnomAD exomes 0.00001.
gnomAD v4.1: 5 of 1,596,786 alleles (0.00031%); highest among the groups gnomAD compares: Admixed American, 0.0017%; no homozygotes.

Submissions (4):

Ambry Genetics
Classification: Uncertain significance for Cardiovascular phenotype. Last evaluated: 2025-12-30. Review status: criteria provided, single submitter. Criteria: Ambry Variant Classification Scheme 2023. Collection method: clinical testing. Allele origin: germline.
Comment: The c.1698A>C (p.E566D) alteration is located in exon 17 (coding exon 17) of the RYR2 gene. This alteration results from a A to C substitution at nucleotide position 1698, causing the glutamic acid (E) at amino acid position 566 to be replaced by an aspartic acid (D). Based on data from gnomAD, the C allele has an overall frequency of 0.001% (3/276526) total alleles studied. The highest observed frequency was 0.003% (1/34226) of Latino alleles. Based on insufficient or conflicting evidence, the clinical significance of this alteration remains unclear.

Labcorp Genetics (formerly Invitae), Labcorp
Classification: Uncertain significance for Catecholaminergic polymorphic ventricular tachycardia 1. Last evaluated: 2025-11-18. Review status: criteria provided, single submitter. Criteria: Invitae Variant Classification Sherloc (09022015). Collection method: clinical testing. Allele origin: germline.
Comment: This sequence change replaces glutamic acid, which is acidic and polar, with aspartic acid, which is acidic and polar, at codon 566 of the RYR2 protein (p.Glu566Asp). This variant is present in population databases (no rsID available, gnomAD 0.003%). This variant has not been reported in the literature in individuals affected with RYR2-related conditions. ClinVar contains an entry for this variant (Variation ID: 1171374). Invitae Evidence Modeling of protein sequence and biophysical properties (such as structural, functional, and spatial information, amino acid conservation, physicochemical variation, residue mobility, and thermodynamic stability) has been performed for this missense variant. However, the output from this modeling did not meet the statistical confidence thresholds required to predict the impact of this variant on RYR2 protein function. In summary, the available evidence is currently insufficient to determine the role of this variant in disease. Therefore, it has been classified as a Variant of Uncertain Significance.

Color Diagnostics, LLC DBA Color Health
Classification: Uncertain significance for Cardiomyopathy. Last evaluated: 2024-03-06. Review status: criteria provided, single submitter. Criteria: ACMG Guidelines, 2015. Collection method: clinical testing. Allele origin: germline.
Comment: This missense variant replaces glutamic acid with aspartic acid at codon 566 of the RYR2 protein. Computational prediction suggests that this variant may have deleterious impact on protein structure and function (internally defined REVEL score threshold >= 0.7, PMID: 27666373). To our knowledge, functional studies have not been reported for this variant. This variant has not been reported in individuals affected with cardiovascular disorders in the literature. This variant has been identified in 3/276526 chromosomes in the general population by the Genome Aggregation Database (gnomAD). The available evidence is insufficient to determine the role of this variant in disease conclusively. Therefore, this variant is classified as a Variant of Uncertain Significance.

Blueprint Genetics
Classification: Uncertain significance. Last evaluated: 2022-11-22. Review status: criteria provided, single submitter. Criteria: ACMG Guidelines, 2015. Collection method: clinical testing. Allele origin: germline.